The following is an entry in ClinVar:

NM_001903.5(CTNNA1):c.2718C>G (p.Ile906Met)

Gene: CTNNA1 (catenin alpha 1; plus strand). Cytogenetic location: 5q31.2.
Variant type: single nucleotide variant.
Coding change: c.2718C>G on transcript NM_001903.5 (MANE Select); coding-DNA position 2718, C replaced by G.
Protein change: p.Ile906Met; replaces isoleucine 906 with methionine.
Molecular consequence: missense variant. On other transcripts: 3 prime UTR variant (5).
Genome position (GRCh38, 1-based): chr5:138,934,086, C>G. VCF-style: chr5-138934086-C-G. GRCh37 (hg19) VCF-style: chr5-138269775-C-G.
Other names: c.*263C>G (NM_001290307.3, NM_001324002.1, NM_001324003.1 and 2 more transcripts); c.2409C>G, p.Ile803Met (NM_001290309.3); c.2349C>G, p.Ile783Met (NM_001290310.3); c.1608C>G, p.Ile536Met (NM_001290312.1, NM_001323987.1, NM_001323988.1 and 12 more transcripts); c.2718C>G, p.Ile906Met (NM_001323982.2, NM_001323983.1, NM_001323984.2); c.2691C>G, p.Ile897Met (NM_001323985.2); c.2625C>G, p.Ile875Met (NM_001323986.2); c.1269C>G, p.Ile423Met (NM_001324006.1, NM_001324007.1, NM_001324008.1 and 2 more transcripts); and 3 more; short protein forms I423M, I455M, I491M, I505M, I536M, I783M, I803M, I875M.
Identifiers: ClinVar variation 1717581 (VCV001717581.5), dbSNP rs2150360699, ClinGen allele CA361135845.

ClinVar aggregate classification (germline): Uncertain significance (1 of 4 stars; one submission).

Submission:

Labcorp Genetics (formerly Invitae), Labcorp
Classification: Uncertain significance. Last evaluated: 2022-08-22. Review status: criteria provided, single submitter. Criteria: Invitae Variant Classification Sherloc (09022015). Collection method: clinical testing. Allele origin: germline.
Comment: In summary, the available evidence is currently insufficient to determine the role of this variant in disease. Therefore, it has been classified as a Variant of Uncertain Significance. Algorithms developed to predict the effect of missense changes on protein structure and function are either unavailable or do not agree on the potential impact of this missense change (SIFT: "Deleterious"; PolyPhen-2: "Possibly Damaging"; Align-GVGD: "Class C0"). This variant has not been reported in the literature in individuals affected with CTNNA1-related conditions. This variant is not present in population databases (gnomAD no frequency). This sequence change replaces isoleucine, which is neutral and non-polar, with methionine, which is neutral and non-polar, at codon 906 of the CTNNA1 protein (p.Ile906Met).